The following is an entry in ClinVar:

ClinVar aggregate classification (germline): Uncertain significance. Review status: criteria provided, multiple submitters, no conflicts (2 of 4 stars). 2 submissions from 2 submitters: Uncertain significance (2). Last evaluated 2025-12-20.

Conditions:
Inborn genetic diseases. Identifiers: MedGen C0950123, MeSH D030342.

Allele frequency attached by ClinVar (database versions not stated): gnomAD exomes below 0.00001; ExAC 0.00001; gnomAD 0.00002.
gnomAD v4.1: 8 of 1,613,884 alleles (0.0005%); highest among the groups gnomAD compares: African/African-American, 0.0053%; no homozygotes.

Submissions (2):

Labcorp Genetics (formerly Invitae), Labcorp
Classification: Uncertain significance. Last evaluated: 2025-12-20. Review status: criteria provided, single submitter. Criteria: Invitae Variant Classification Sherloc (09022015). Collection method: clinical testing. Allele origin: germline.
Comment: This sequence change replaces isoleucine, which is neutral and non-polar, with valine, which is neutral and non-polar, at codon 355 of the SLC39A14 protein (p.Ile355Val). This variant is present in population databases (rs773392138, gnomAD 0.008%). This variant has not been reported in the literature in individuals affected with SLC39A14-related conditions. ClinVar contains an entry for this variant (Variation ID: 1934839). Invitae Evidence Modeling of protein sequence and biophysical properties (such as structural, functional, and spatial information, amino acid conservation, physicochemical variation, residue mobility, and thermodynamic stability) indicates that this missense variant is not expected to disrupt SLC39A14 protein function with a negative predictive value of 80%. In summary, the available evidence is currently insufficient to determine the role of this variant in disease. Therefore, it has been classified as a Variant of Uncertain Significance.

Ambry Genetics
Classification: Uncertain significance for Inborn genetic diseases. Last evaluated: 2024-08-19. Review status: criteria provided, single submitter. Criteria: Ambry Variant Classification Scheme 2023. Collection method: clinical testing. Allele origin: germline.

NM_001128431.4(SLC39A14):c.1063A>G (p.Ile355Val)

Gene: SLC39A14 (solute carrier family 39 member 14; plus strand). Cytogenetic location: 8p21.3.
Variant type: single nucleotide variant.
Coding change: c.1063A>G on transcript NM_001128431.4 (MANE Select); coding-DNA position 1063, A replaced by G.
Protein change: p.Ile355Val; replaces isoleucine 355 with valine.
Molecular consequence: missense variant.
Genome position (GRCh38, 1-based): chr8:22,416,196, A>G. VCF-style: chr8-22416196-A-G. GRCh37 (hg19) VCF-style: chr8-22273709-A-G.
Other names: c.1063A>G, p.Ile355Val (NM_001135153.3, NM_001135154.3, NM_001351655.2 and 3 more transcripts); c.1093A>G, p.Ile365Val (NM_001351657.2, NM_001351658.2, NM_001351659.2); c.1063A>G (NM_001135153.1); short protein forms I355V, I365V.
Identifiers: ClinVar variation 1934839 (VCV001934839.6), dbSNP rs773392138, ClinGen allele CA4667507.